The following is an entry in ClinVar:

ClinVar aggregate classification (germline): Uncertain significance (1 of 4 stars; one submission).

Submission:

GeneDx
Classification: Uncertain significance. Last evaluated: 2023-07-06. Review status: criteria provided, single submitter. Criteria: GeneDx Variant Classification Process June 2021. Collection method: clinical testing. Allele origin: germline. Affected: yes.
Comment: In-frame deletion of 16 amino acids in a non-repeat region; Not observed at significant frequency in large population cohorts (gnomAD); Has not been previously published as pathogenic or benign to our knowledge

NM_178857.6(RP1L1):c.3979_4026del (p.Thr1327_Lys1342del)

Gene: RP1L1 (RP1 like 1). Cytogenetic location: 8p23.1.
Variant type: Deletion.
Coding change: c.3979_4026del on transcript NM_178857.6 (MANE Select); coding-DNA positions 3979 to 4026, 48 bases deleted.
Protein change: p.Thr1327_Lys1342del.
Genome position: GRCh38: chr8:10,610,094-10,610,141. GRCh37 (hg19): chr8:10,467,604-10,467,651.
Identifiers: ClinVar variation 3360715 (VCV003360715.1).